The following is an entry in ClinVar:

ClinVar aggregate classification (germline): Benign/Likely benign. Review status: criteria provided, multiple submitters, no conflicts (2 of 4 stars). 6 submissions from 6 submitters: Benign (3); Likely benign (3). Last evaluated 2026-01-26.

Conditions:
Primary ciliary dyskinesia. Also called: Ciliary dyskinesia. Identifiers: Orphanet 244, MedGen C0008780, MONDO:0016575, HP:0012265.
Primary ciliary dyskinesia 15. Also called: CILIARY DYSKINESIA, PRIMARY, 15, WITH OR WITHOUT SITUS INVERSUS. Identifiers: Orphanet 244, MedGen C3151137, MONDO:0013435, OMIM 613808.

Allele frequency attached by ClinVar (database versions not stated): gnomAD exomes 0.00118; ExAC 0.00135; ESP Exome Variant Server 0.00349; gnomAD 0.00368 and 0.00395; TOPMed 0.00398; 1000 Genomes Project 0.00499; 1000 Genomes Project 30x 0.00500.
gnomAD v4.1: 1,343 of 1,614,142 alleles (0.083%); highest among the groups gnomAD compares: African/African-American, 1.2%; 7 homozygotes.

Submissions (6):

Labcorp Genetics (formerly Invitae), Labcorp
Classification: Benign for Primary ciliary dyskinesia. Last evaluated: 2026-01-26. Review status: criteria provided, single submitter. Criteria: Invitae Variant Classification Sherloc (09022015). Collection method: clinical testing. Allele origin: germline.

Blueprint Genetics
Classification: Likely benign. Last evaluated: 2024-09-10. Review status: criteria provided, single submitter. Criteria: ACMG Guidelines, 2015. Collection method: clinical testing. Allele origin: germline.

GeneDx
Classification: Likely benign. Last evaluated: 2020-11-11. Review status: criteria provided, single submitter. Criteria: GeneDx Variant Classification Process June 2021. Collection method: clinical testing. Allele origin: germline. Affected: yes.

Ambry Genetics
Classification: Benign for Primary ciliary dyskinesia. Last evaluated: 2018-03-02. Review status: criteria provided, single submitter. Criteria: Ambry Variant Classification Scheme 2023. Collection method: clinical testing. Allele origin: germline.

Illumina Laboratory Services, Illumina
Classification: Likely benign for Primary ciliary dyskinesia 15. Last evaluated: 2018-01-13. Review status: criteria provided, single submitter. Criteria: ICSL Variant Classification Criteria 13 December 2019. Collection method: clinical testing. Allele origin: germline.
Comment: This variant was observed in the ICSL laboratory as part of a predisposition screen in an ostensibly healthy population. It had not been previously curated by ICSL or reported in the Human Gene Mutation Database (HGMD: prior to June 1st, 2018), and was therefore a candidate for classification through an automated scoring system. Utilizing variant allele frequency, disease prevalence and penetrance estimates, and inheritance mode, an automated score was calculated to assess if this variant is too frequent to cause the disease. Based on the score and internal cut-off values, a variant classified as likely benign is not then subjected to further curation. The score for this variant resulted in a classification of likely benign for this disease.

PreventionGenetics, part of Exact Sciences
Classification: Benign. Review status: criteria provided, single submitter. Criteria: ACMG Guidelines, 2015. Collection method: clinical testing. Allele origin: germline.

NM_017950.4(CCDC40):c.2336G>A (p.Arg779His)

Gene: CCDC40 (coiled-coil domain 40 molecular ruler complex subunit; plus strand). Cytogenetic location: 17q25.3.
Variant type: single nucleotide variant.
Coding change: c.2336G>A on transcript NM_017950.4 (MANE Select); coding-DNA position 2336, G replaced by A.
Protein change: p.Arg779His; replaces arginine 779 with histidine.
Molecular consequence: missense variant.
Genome position (GRCh38, 1-based): chr17:80,086,103, G>A. VCF-style: chr17-80086103-G-A. GRCh37 (hg19) VCF-style: chr17-78059902-G-A.
Other names: c.2336G>A, p.Arg779His (NM_001243342.2); short protein forms R779H.
Identifiers: ClinVar variation 241236 (VCV000241236.31), dbSNP rs183809462, ClinGen allele CA8814174.